The following is an entry in ClinVar:

ClinVar aggregate classification (germline): Likely benign (0 of 4 stars; one submission).

Conditions:
MEIS1-related disorder. Also called: MEIS1-related condition.

Allele frequency attached by ClinVar (database versions not stated): ExAC 0.00022; TOPMed 0.00024; gnomAD 0.00026; gnomAD exomes 0.00044; ESP Exome Variant Server 0.00048.
gnomAD v4.1: 666 of 1,613,990 alleles (0.041%); highest among the groups gnomAD compares: Non-Finnish European, 0.054%; no homozygotes.

Submission:

PreventionGenetics, part of Exact Sciences
Classification: Likely benign for MEIS1-related condition. Last evaluated: 2019-03-28. Review status: no assertion criteria provided. Collection method: clinical testing. Allele origin: germline.
Comment: This variant is classified as likely benign based on ACMG/AMP sequence variant interpretation guidelines (Richards et al. 2015 PMID: 25741868, with internal and published modifications).

NM_002398.3(MEIS1):c.91A>C (p.Arg31=)

Gene: MEIS1 (Meis homeobox 1; plus strand). Cytogenetic location: 2p14.
Variant type: single nucleotide variant.
Coding change: c.91A>C on transcript NM_002398.3 (MANE Select); coding-DNA position 91, A replaced by C.
Protein change: p.Arg31=; no amino-acid change (arginine 31 retained).
Molecular consequence: synonymous variant.
Genome position (GRCh38, 1-based): chr2:66,437,815, A>C. VCF-style: chr2-66437815-A-C. GRCh37 (hg19) VCF-style: chr2-66664947-A-C.
Identifiers: ClinVar variation 3058219 (VCV003058219.2), dbSNP rs375684991, ClinGen allele CA1687828.